The following is an entry in ClinVar:

NM_000465.4(BARD1):c.1649A>C (p.Glu550Ala)

Gene: BARD1 (BRCA1 associated RING domain 1; minus strand). Cytogenetic location: 2q35.
Variant type: single nucleotide variant.
Coding change: c.1649A>C on transcript NM_000465.4 (MANE Select); coding-DNA position 1649, A replaced by C.
Protein change: p.Glu550Ala; replaces glutamic acid 550 with alanine.
Molecular consequence: missense variant. On other transcripts: non-coding transcript variant (3), intron variant (1).
Genome position (GRCh38, 1-based): chr2:214,752,475, T>G on the plus strand (A>C on the coding strand, the complement: BARD1 is on the minus strand). VCF-style: chr2-214752475-T-G. GRCh37 (hg19) VCF-style: chr2-215617199-T-G.
Other names: c.1592A>C, p.Glu531Ala (NM_001282543.2); c.296A>C, p.Glu99Ala (NM_001282545.2); c.239A>C, p.Glu80Ala (NM_001282548.2); c.365-21967A>C (NM_001282549.2); short protein forms E531A, E80A, E99A, E550A.
Identifiers: ClinVar variation 5032783 (VCV005032783.1).

ClinVar aggregate classification (germline): Uncertain significance (1 of 4 stars; one submission).

Conditions:
Hereditary cancer-predisposing syndrome. Also called: Neoplastic Syndromes, Hereditary; Tumor predisposition; Hereditary neoplastic syndrome; Hereditary Cancer Syndrome. Identifiers: Orphanet 140162, MedGen C0027672, MeSH D009386, MONDO:0015356.

Submission:

Ambry Genetics
Classification: Uncertain significance for Hereditary cancer-predisposing syndrome. Last evaluated: 2026-07-05. Review status: criteria provided, single submitter. Criteria: Ambry Variant Classification Scheme 2023. Collection method: clinical testing. Allele origin: germline.
Comment: The p.E550A variant (also known as c.1649A>C), located in coding exon 7 of the BARD1 gene, results from an A to C substitution at nucleotide position 1649. The glutamic acid at codon 550 is replaced by alanine, an amino acid with dissimilar properties. This amino acid position is conserved. In addition, this alteration is predicted to be tolerated by in silico analysis. Based on the available evidence, the clinical significance of this variant remains unclear.